The following is an entry in ClinVar:

ClinVar aggregate classification (germline): Uncertain significance (1 of 4 stars; one submission).

Conditions:
Cortical dysplasia-focal epilepsy syndrome (PTHSL1). Also called: Pitt-Hopkins-like syndrome 1. Identifiers: Orphanet 163681, Orphanet 221150, MedGen C2750246, MONDO:0012400, OMIM 610042.

Allele frequency attached by ClinVar (database versions not stated): gnomAD exomes below 0.00001; gnomAD 0.00001; TOPMed 0.00001.
gnomAD v4.1: 2 of 1,614,044 alleles (0.00012%); highest among the groups gnomAD compares: Non-Finnish European, 0.00017%; no homozygotes.

Submission:

Labcorp Genetics (formerly Invitae), Labcorp
Classification: Uncertain significance for Cortical dysplasia-focal epilepsy syndrome. Last evaluated: 2022-05-03. Review status: criteria provided, single submitter. Criteria: Invitae Variant Classification Sherloc (09022015). Collection method: clinical testing. Allele origin: germline.
Comment: This variant is not present in population databases (gnomAD no frequency). In summary, the available evidence is currently insufficient to determine the role of this variant in disease. Therefore, it has been classified as a Variant of Uncertain Significance. Algorithms developed to predict the effect of missense changes on protein structure and function (SIFT, PolyPhen-2, Align-GVGD) all suggest that this variant is likely to be disruptive. This variant has not been reported in the literature in individuals affected with CNTNAP2-related conditions. This sequence change replaces aspartic acid, which is acidic and polar, with tyrosine, which is neutral and polar, at codon 844 of the CNTNAP2 protein (p.Asp844Tyr).

NM_014141.6(CNTNAP2):c.2530G>T (p.Asp844Tyr)

Gene: CNTNAP2 (contactin associated protein 2; plus strand). Cytogenetic location: 7q35.
Variant type: single nucleotide variant.
Coding change: c.2530G>T on transcript NM_014141.6 (MANE Select); coding-DNA position 2530, G replaced by T.
Protein change: p.Asp844Tyr; replaces aspartic acid 844 with tyrosine.
Molecular consequence: missense variant.
Genome position (GRCh38, 1-based): chr7:148,118,264, G>T. VCF-style: chr7-148118264-G-T. GRCh37 (hg19) VCF-style: chr7-147815356-G-T.
Other names: short protein forms D844Y.
Identifiers: ClinVar variation 2133277 (VCV002133277.4), dbSNP rs1433331049, ClinGen allele CA369927478.